The following is an entry in ClinVar:

ClinVar aggregate classification (germline): Likely benign (1 of 4 stars; one submission).

Submission:

CeGaT Center for Human Genetics Tuebingen
Classification: Likely benign. Last evaluated: 2025-03-01. Review status: criteria provided, single submitter. Criteria: CeGaT Center For Human Genetics Tuebingen Variant Classification Criteria Version 2. Collection method: clinical testing. Allele origin: germline. Affected: yes. Observed: 1 variant allele.
Comment: MAP3K13: PM2:Supporting, BP4, BP7

NM_004721.5(MAP3K13):c.417G>A (p.Arg139=)

Gene: MAP3K13 (mitogen-activated protein kinase kinase kinase 13; plus strand). Cytogenetic location: 3q27.2.
Variant type: single nucleotide variant.
Coding change: c.417G>A on transcript NM_004721.5 (MANE Select); coding-DNA position 417, G replaced by A.
Protein change: p.Arg139=; no amino-acid change (arginine 139 retained).
Molecular consequence: synonymous variant. On other transcripts: intron variant (1).
Genome position (GRCh38, 1-based): chr3:185,428,998, G>A. VCF-style: chr3-185428998-G-A. GRCh37 (hg19) VCF-style: chr3-185146786-G-A.
Other names: c.417G>A, p.Arg139= (NM_001242314.2); c.39-14447G>A (NM_001242317.2).
Identifiers: ClinVar variation 3778457 (VCV003778457.7).